The following is an entry in ClinVar:

NM_005732.4(RAD50):c.1706A>C (p.Tyr569Ser)

Gene: RAD50 (RAD50 double strand break repair protein; plus strand). Cytogenetic location: 5q31.1.
Variant type: single nucleotide variant.
Coding change: c.1706A>C on transcript NM_005732.4 (MANE Select); coding-DNA position 1706, A replaced by C.
Protein change: p.Tyr569Ser; replaces tyrosine 569 with serine.
Molecular consequence: missense variant.
Genome position (GRCh38, 1-based): chr5:132,591,947, A>C. VCF-style: chr5-132591947-A-C. GRCh37 (hg19) VCF-style: chr5-131927639-A-C.
Other names: short protein forms Y569S.
Identifiers: ClinVar variation 231421 (VCV000231421.15), dbSNP rs876659148, ClinGen allele CA10578538.

ClinVar aggregate classification (germline): Uncertain significance. Review status: criteria provided, multiple submitters, no conflicts (2 of 4 stars). 2 submissions from 2 submitters: Uncertain significance (2). Last evaluated 2025-07-18.

Conditions:
Hereditary cancer-predisposing syndrome. Also called: Neoplastic Syndromes, Hereditary; Tumor predisposition; Hereditary Cancer Syndrome; Hereditary neoplastic syndrome. Identifiers: Orphanet 140162, MedGen C0027672, MeSH D009386, MONDO:0015356.

Allele frequency attached by ClinVar (database versions not stated): gnomAD exomes below 0.00001; TOPMed below 0.00001.
gnomAD v4.1: 2 of 1,610,476 alleles (0.00012%); highest among the groups gnomAD compares: Non-Finnish European, 0.00017%; no homozygotes.

Submissions (2):

Ambry Genetics
Classification: Uncertain significance for Hereditary cancer-predisposing syndrome. Last evaluated: 2025-07-18. Review status: criteria provided, single submitter. Criteria: Ambry Variant Classification Scheme 2023. Collection method: clinical testing. Allele origin: germline.
Comment: The p.Y569S variant (also known as c.1706A>C), located in coding exon 11 of the RAD50 gene, results from an A to C substitution at nucleotide position 1706. The tyrosine at codon 569 is replaced by serine, an amino acid with dissimilar properties. This amino acid position is well conserved in available vertebrate species. In addition, this alteration is predicted to be tolerated by in silico analysis. Since supporting evidence is limited at this time, the clinical significance of this alteration remains unclear.

Labcorp Genetics (formerly Invitae), Labcorp
Classification: Uncertain significance for Hereditary cancer-predisposing syndrome. Last evaluated: 2024-04-15. Review status: criteria provided, single submitter. Criteria: Invitae Variant Classification Sherloc (09022015). Collection method: clinical testing. Allele origin: germline.
Comment: This sequence change replaces tyrosine, which is neutral and polar, with serine, which is neutral and polar, at codon 569 of the RAD50 protein (p.Tyr569Ser). This variant is not present in population databases (gnomAD no frequency). This variant has not been reported in the literature in individuals affected with RAD50-related conditions. ClinVar contains an entry for this variant (Variation ID: 231421). Advanced modeling of protein sequence and biophysical properties (such as structural, functional, and spatial information, amino acid conservation, physicochemical variation, residue mobility, and thermodynamic stability) performed at Invitae indicates that this missense variant is not expected to disrupt RAD50 protein function with a negative predictive value of 80%. In summary, the available evidence is currently insufficient to determine the role of this variant in disease. Therefore, it has been classified as a Variant of Uncertain Significance.